The following is an entry in ClinVar:

ClinVar aggregate classification (germline): Uncertain significance (1 of 4 stars; one submission).

Conditions:
Spastic paraplegia. Identifiers: MedGen C0037772, HP:0001258.

Submission:

Labcorp Genetics (formerly Invitae), Labcorp
Classification: Uncertain significance for Spastic paraplegia. Last evaluated: 2024-05-20. Review status: criteria provided, single submitter. Criteria: Invitae Variant Classification Sherloc (09022015). Collection method: clinical testing. Allele origin: germline.
Comment: This sequence change replaces isoleucine, which is neutral and non-polar, with valine, which is neutral and non-polar, at codon 386 of the CYP2U1 protein (p.Ile386Val). This variant is not present in population databases (gnomAD no frequency). This variant has not been reported in the literature in individuals affected with CYP2U1-related conditions. ClinVar contains an entry for this variant (Variation ID: 1916621). Advanced modeling of protein sequence and biophysical properties (such as structural, functional, and spatial information, amino acid conservation, physicochemical variation, residue mobility, and thermodynamic stability) performed at Invitae indicates that this missense variant is not expected to disrupt CYP2U1 protein function with a negative predictive value of 95%. In summary, the available evidence is currently insufficient to determine the role of this variant in disease. Therefore, it has been classified as a Variant of Uncertain Significance.

NM_183075.3(CYP2U1):c.1156A>G (p.Ile386Val)

Gene: CYP2U1 (cytochrome P450 family 2 subfamily U member 1; plus strand). Cytogenetic location: 4q25.
Variant type: single nucleotide variant.
Coding change: c.1156A>G on transcript NM_183075.3 (MANE Select); coding-DNA position 1156, A replaced by G.
Protein change: p.Ile386Val; replaces isoleucine 386 with valine.
Molecular consequence: missense variant.
Genome position (GRCh38, 1-based): chr4:107,947,405, A>G. VCF-style: chr4-107947405-A-G. GRCh37 (hg19) VCF-style: chr4-108868561-A-G.
Other names: short protein forms I386V.
Identifiers: ClinVar variation 1916621 (VCV001916621.5), dbSNP rs2477033420, ClinGen allele CA357838231.